The following is an entry in ClinVar:

ClinVar aggregate classification (germline): Uncertain significance (1 of 4 stars; one submission).

Conditions:
Epileptic encephalopathy. Identifiers: MedGen C0543888, HP:0200134.

Submission:

Labcorp Genetics (formerly Invitae), Labcorp
Classification: Uncertain significance for Epileptic encephalopathy. Last evaluated: 2023-11-27. Review status: criteria provided, single submitter. Criteria: Invitae Variant Classification Sherloc (09022015). Collection method: clinical testing. Allele origin: germline.
Comment: This sequence change replaces phenylalanine, which is neutral and non-polar, with leucine, which is neutral and non-polar, at codon 359 of the FASN protein (p.Phe359Leu). This variant is not present in population databases (gnomAD no frequency). This variant has not been reported in the literature in individuals affected with FASN-related conditions. ClinVar contains an entry for this variant (Variation ID: 1369701). An algorithm developed to predict the effect of missense changes on protein structure and function (PolyPhen-2) suggests that this variant is likely to be disruptive. In summary, the available evidence is currently insufficient to determine the role of this variant in disease. Therefore, it has been classified as a Variant of Uncertain Significance.

NM_004104.5(FASN):c.1077C>A (p.Phe359Leu)

Gene: FASN (fatty acid synthase; minus strand). Cytogenetic location: 17q25.3.
Variant type: single nucleotide variant.
Coding change: c.1077C>A on transcript NM_004104.5 (MANE Select); coding-DNA position 1077, C replaced by A.
Protein change: p.Phe359Leu; replaces phenylalanine 359 with leucine.
Molecular consequence: missense variant.
Genome position (GRCh38, 1-based): chr17:82,091,637, G>T on the plus strand (C>A on the coding strand, the complement: FASN is on the minus strand). VCF-style: chr17-82091637-G-T. GRCh37 (hg19) VCF-style: chr17-80049513-G-T.
Other names: short protein forms F359L.
Identifiers: ClinVar variation 1369701 (VCV001369701.8), dbSNP rs977628292, ClinGen allele CA401561329.